The following is an entry in ClinVar:

ClinVar aggregate classification (germline): Uncertain significance (1 of 4 stars; one submission).

Conditions:
Hereditary motor and sensory neuropathy, Okinawa type (HMSNO). Also called: HEREDITARY MOTOR AND SENSORY NEUROPATHY, PROXIMAL TYPE. Identifiers: Orphanet 90117, MedGen C1858338, MONDO:0011468, OMIM 604484.
Hereditary spastic paraplegia 57. Also called: Spastic paraplegia 57, autosomal recessive. Identifiers: Orphanet 431329, MedGen C3714897, MONDO:0014295, OMIM 615658.

Submission:

Labcorp Genetics (formerly Invitae), Labcorp
Classification: Uncertain significance for Hereditary motor and sensory neuropathy, Okinawa type; Hereditary spastic paraplegia 57. Last evaluated: 2025-03-03. Review status: criteria provided, single submitter. Criteria: Invitae Variant Classification Sherloc (09022015). Collection method: clinical testing. Allele origin: germline.
Comment: This sequence change replaces tyrosine, which is neutral and polar, with phenylalanine, which is neutral and non-polar, at codon 272 of the TFG protein (p.Tyr272Phe). This variant is not present in population databases (gnomAD no frequency). This variant has not been reported in the literature in individuals affected with TFG-related conditions. Invitae Evidence Modeling of protein sequence and biophysical properties (such as structural, functional, and spatial information, amino acid conservation, physicochemical variation, residue mobility, and thermodynamic stability) indicates that this missense variant is not expected to disrupt TFG protein function with a negative predictive value of 80%. In summary, the available evidence is currently insufficient to determine the role of this variant in disease. Therefore, it has been classified as a Variant of Uncertain Significance.

NM_006070.6(TFG):c.815A>T (p.Tyr272Phe)

Gene: TFG (trafficking from ER to golgi regulator; plus strand). Cytogenetic location: 3q12.2.
Variant type: single nucleotide variant.
Coding change: c.815A>T on transcript NM_006070.6 (MANE Select); coding-DNA position 815, A replaced by T.
Protein change: p.Tyr272Phe; replaces tyrosine 272 with phenylalanine.
Molecular consequence: missense variant.
Genome position (GRCh38, 1-based): chr3:100,744,926, A>T. VCF-style: chr3-100744926-A-T. GRCh37 (hg19) VCF-style: chr3-100463770-A-T.
Other names: c.815A>T, p.Tyr272Phe (NM_001007565.2, NM_001195478.2); c.803A>T, p.Tyr268Phe (NM_001195479.2); short protein forms Y268F, Y272F.
Identifiers: ClinVar variation 4783080 (VCV004783080.1).
Genomic context (GRCh38, chr3:100,744,926, plus strand): 5'-GCTATGGTGCACAGCAGCCGCAGGCTCCACCTCAGCAGCCTCAACAGTATGGTATTCAGT[A>T]TTCAGGTGAGCAGGTGTTGAAAGGGAGTTGGCTCATGGTTTTTTGTTTCTATACTCATTA-3'
Protein context (NP_006061.2, residues 262-282): PQQPQQYGIQ[Tyr272Phe]SASYSQQTGP